The following is an entry in ClinVar:

ClinVar aggregate classification (germline): Benign. Review status: criteria provided, multiple submitters, no conflicts (2 of 4 stars). 3 submissions from 3 submitters: Benign (2). 1 of the submissions does not count toward it. Last evaluated 2026-02-01.

Conditions:
POLE2-related disorder. Also called: POLE2-related condition.

Allele frequency attached by ClinVar (database versions not stated): TOPMed 0.02278; 1000 Genomes Project 0.02835; ESP Exome Variant Server 0.02430; gnomAD 0.02096; 1000 Genomes Project 30x 0.03123.
gnomAD v4.1: 5,364 of 1,526,776 alleles (0.35%); highest among the groups gnomAD compares: African/African-American, 6.6%; 178 homozygotes.

Submissions (3):

Labcorp Genetics (formerly Invitae), Labcorp
Classification: Benign. Last evaluated: 2026-02-01. Review status: criteria provided, single submitter. Criteria: Invitae Variant Classification Sherloc (09022015). Collection method: clinical testing. Allele origin: germline.

Breakthrough Genomics
Classification: Benign. Review status: criteria provided, single submitter. Criteria: ACMG Guidelines, 2015. Collection method: not provided. Allele origin: germline. Inheritance: Unknown mechanism. Affected: yes.

PreventionGenetics, part of Exact Sciences
Classification: Benign for POLE2-related condition. Last evaluated: 2019-07-11. Review status: no assertion criteria provided. Collection method: clinical testing. Allele origin: germline. Not counted in ClinVar's aggregate classification.
Comment: This variant is classified as benign based on ACMG/AMP sequence variant interpretation guidelines (Richards et al. 2015 PMID: 25741868, with internal and published modifications).

NM_002692.4(POLE2):c.564G>A (p.Thr188=)

Gene: POLE2 (DNA polymerase epsilon 2, accessory subunit; minus strand). Cytogenetic location: 14q21.3.
Variant type: single nucleotide variant.
Coding change: c.564G>A on transcript NM_002692.4 (MANE Select); coding-DNA position 564, G replaced by A.
Protein change: p.Thr188=; no amino-acid change (threonine 188 retained).
Molecular consequence: synonymous variant.
Genome position (GRCh38, 1-based): chr14:49,666,342, C>T on the plus strand (G>A on the coding strand, the complement: POLE2 is on the minus strand). VCF-style: chr14-49666342-C-T. GRCh37 (hg19) VCF-style: chr14-50133060-C-T.
Other names: c.486G>A, p.Thr162= (NM_001197330.2); c.564G>A, p.Thr188= (NM_001197331.3, NM_001348384.2); c.333G>A, p.Thr111= (NM_001348385.2).
Identifiers: ClinVar variation 789058 (VCV000789058.13), dbSNP rs34281321, ClinGen allele CA7173575.